The following is an entry in ClinVar:

ClinVar aggregate classification (germline): Uncertain significance (1 of 4 stars; one submission).

Submission:

GeneDx
Classification: Uncertain significance. Last evaluated: 2025-06-09. Review status: criteria provided, single submitter. Criteria: GeneDx Variant Classification Process June 2021. Collection method: clinical testing. Allele origin: germline. Affected: yes.
Comment: Not observed at significant frequency in large population cohorts (gnomAD); In silico analysis suggests that this missense variant does not alter protein structure/function; Has not been previously published as pathogenic or benign to our knowledge

NM_005334.3(HCFC1):c.1921G>A (p.Val641Met)

Gene: HCFC1 (host cell factor C1; minus strand). Cytogenetic location: Xq28.
Variant type: single nucleotide variant.
Coding change: c.1921G>A on transcript NM_005334.3 (MANE Select); coding-DNA position 1921, G replaced by A.
Protein change: p.Val641Met; replaces valine 641 with methionine.
Molecular consequence: missense variant.
Genome position (GRCh38, 1-based): chrX:153,958,132, C>T on the plus strand (G>A on the coding strand, the complement: HCFC1 is on the minus strand). VCF-style: chrX-153958132-C-T. GRCh37 (hg19) VCF-style: chrX-153223583-C-T.
Other names: c.1921G>A, p.Val641Met (NM_001440849.1, NM_001410705.1, NM_001440843.1 and 5 more transcripts); c.1723G>A, p.Val575Met (NM_001440850.1, NM_001440851.1); short protein forms V575M, V641M.
Identifiers: ClinVar variation 4537589 (VCV004537589.1).